The following is an entry in ClinVar:

ClinVar aggregate classification (germline): Conflicting classifications of pathogenicity. Review status: criteria provided, conflicting classifications (1 of 4 stars). 4 submissions from 4 submitters: Uncertain significance (3); Likely benign (1). Last evaluated 2025-08-30.

Conditions:
Malignant hyperthermia, susceptibility to, 5 (MHS5). Also called: CACNA1S-Related Malignant Hyperthermia Susceptibility. Identifiers: Orphanet 423, MedGen C1866077, MONDO:0011163, OMIM 601887.
Hypokalemic periodic paralysis, type 1. Also called: HypoPP; Hypokalemic Periodic Paralysis Type 1 (AD). Identifiers: Orphanet 681, MedGen C3714580, MONDO:0042979, OMIM 170400.
Inborn genetic diseases. Identifiers: MedGen C0950123, MeSH D030342.
Congenital myopathy 18. Also called: DIHYDROPYRIDINE RECEPTOR CONGENITAL MYOPATHY; DHPR CONGENITAL MYOPATHY; Myopathy, congenital, due to dihydropyridine receptor defect. Identifiers: MedGen C5830283, MONDO:0859514, OMIM 620246.
Thyrotoxic periodic paralysis, susceptibility to, 1 (TTPP1). Identifiers: Orphanet 79102, MedGen C2749982, MONDO:0008570, OMIM 188580.

Allele frequency attached by ClinVar (database versions not stated): ExAC 0.00001; gnomAD exomes 0.00002; gnomAD 0.00006 and 0.00007; TOPMed 0.00006; 1000 Genomes Project 30x 0.00016; 1000 Genomes Project 0.00020.
gnomAD v4.1: 12 of 1,613,890 alleles (0.00074%); highest among the groups gnomAD compares: African/African-American, 0.012%; no homozygotes.

Submissions (4):

Color Diagnostics, LLC DBA Color Health
Classification: Uncertain significance for Malignant hyperthermia, susceptibility to, 5. Last evaluated: 2025-08-30. Review status: criteria provided, single submitter. Criteria: ACMG Guidelines, 2015. Collection method: clinical testing. Allele origin: germline.
Comment: This missense variant replaces isoleucine with valine at codon 925 of the CACNA1S protein. Computational prediction suggests that this variant may not impact protein structure and function. To our knowledge, functional studies have not been reported for this variant. This variant has not been reported in individuals affected with CACNA1S-related disorders in the literature. This variant has been identified in 5/282102 chromosomes in the general population by the Genome Aggregation Database (gnomAD). The available evidence is insufficient to determine the role of this variant in disease conclusively. Therefore, this variant is classified as a Variant of Uncertain Significance.

Fulgent Genetics
Classification: Uncertain significance for Hypokalemic periodic paralysis, type 1; Thyrotoxic periodic paralysis, susceptibility to, 1; Malignant hyperthermia, susceptibility to, 5; Congenital myopathy 18. Last evaluated: 2024-01-20. Review status: criteria provided, single submitter. Criteria: ACMG Guidelines, 2015. Collection method: clinical testing. Allele origin: germline.

Labcorp Genetics (formerly Invitae), Labcorp
Classification: Likely benign for Hypokalemic periodic paralysis, type 1; Malignant hyperthermia, susceptibility to, 5. Last evaluated: 2022-06-27. Review status: criteria provided, single submitter. Criteria: Invitae Variant Classification Sherloc (09022015). Collection method: clinical testing. Allele origin: germline.

Ambry Genetics
Classification: Uncertain significance for Inborn genetic diseases. Last evaluated: 2022-03-29. Review status: criteria provided, single submitter. Criteria: Ambry Variant Classification Scheme 2023. Collection method: clinical testing. Allele origin: germline.

NM_000069.3(CACNA1S):c.2773A>G (p.Ile925Val)

Gene: CACNA1S (calcium voltage-gated channel subunit alpha1 S; minus strand). Cytogenetic location: 1q32.1.
Variant type: single nucleotide variant.
Coding change: c.2773A>G on transcript NM_000069.3 (MANE Select); coding-DNA position 2773, A replaced by G.
Protein change: p.Ile925Val; replaces isoleucine 925 with valine.
Molecular consequence: missense variant.
Genome position (GRCh38, 1-based): chr1:201,065,918, T>C on the plus strand (A>G on the coding strand, the complement: CACNA1S is on the minus strand). VCF-style: chr1-201065918-T-C. GRCh37 (hg19) VCF-style: chr1-201035046-T-C.
Other names: c.2773A>G (NM_000069.2); short protein forms I925V.
Identifiers: ClinVar variation 1370471 (VCV001370471.12), dbSNP rs138708497, ClinGen allele CA079286.